The following is an entry in ClinVar:

NM_018052.5(VAC14):c.424-18_424-17inv

Gene: VAC14 (VAC14 component of PIKFYVE complex; minus strand). Cytogenetic location: 16q22.1.
Variant type: Inversion.
Coding change: c.424-18_424-17inv on transcript NM_018052.5 (MANE Select).
Molecular consequence: intron variant.
Genome position: GRCh38 VCF-style: chr16-70784855-CA-TG. GRCh37 (hg19) VCF-style: chr16-70818758-CA-TG.
Other names: c.-279-18_-279-17inv (NM_001351157.2).
Identifiers: ClinVar variation 1902378 (VCV001902378.4), ClinGen allele CA2580091940.

ClinVar aggregate classification (germline): Uncertain significance (1 of 4 stars; one submission).

Submission:

Labcorp Genetics (formerly Invitae), Labcorp
Classification: Uncertain significance. Last evaluated: 2024-10-15. Review status: criteria provided, single submitter. Criteria: Invitae Variant Classification Sherloc (09022015). Collection method: clinical testing. Allele origin: germline.
Comment: This sequence change falls in intron 3 of the VAC14 gene. It does not directly change the encoded amino acid sequence of the VAC14 protein. Information on the frequency of this variant in the gnomAD database is not available, as this variant may be reported differently in the database. This variant has not been reported in the literature in individuals affected with VAC14-related conditions. ClinVar contains an entry for this variant (Variation ID: 1902378). Experimental studies and prediction algorithms are not available or were not evaluated, and the effect of this variant on mRNA splicing is currently unknown. In summary, the available evidence is currently insufficient to determine the role of this variant in disease. Therefore, it has been classified as a Variant of Uncertain Significance.